The following is an entry in ClinVar:

NM_001083961.2(WDR62):c.1233+1526G>T

Gene: WDR62 (WD repeat domain 62; plus strand). Cytogenetic location: 19q13.12.
Variant type: single nucleotide variant.
Coding change: c.1233+1526G>T on transcript NM_001083961.2 (MANE Select); 1526 bases into the intron after coding-DNA position 1233, G replaced by T.
Molecular consequence: intron variant.
Genome position (GRCh38, 1-based): chr19:36,075,057, G>T. VCF-style: chr19-36075057-G-T. GRCh37 (hg19) VCF-style: chr19-36565959-G-T.
Other names: c.1233+1526G>T (NM_173636.5, NM_001411146.1); c.1218+1526G>T (NM_001411145.1); c.883-6376G>T (NM_001411147.1).
Identifiers: ClinVar variation 3234588 (VCV003234588.20), dbSNP rs746613444, ClinGen allele CA307854114.

ClinVar aggregate classification (germline): Likely benign (1 of 4 stars; one submission).

Submission:

CeGaT Center for Human Genetics Tuebingen
Classification: Likely benign. Last evaluated: 2024-04-01. Review status: criteria provided, single submitter. Criteria: CeGaT Center For Human Genetics Tuebingen Variant Classification Criteria Version 2. Collection method: clinical testing. Allele origin: germline. Affected: yes. Observed: 1 variant allele.
Comment: WDR62: BP4, BP7